The following is an entry in ClinVar:

NM_004360.5(CDH1):c.1782A>G (p.Ile594Met)

Gene: CDH1 (cadherin 1; plus strand). Cytogenetic location: 16q22.1.
Variant type: single nucleotide variant.
Coding change: c.1782A>G on transcript NM_004360.5 (MANE Select); coding-DNA position 1782, A replaced by G.
Protein change: p.Ile594Met; replaces isoleucine 594 with methionine.
Molecular consequence: missense variant. On other transcripts: 5 prime UTR variant (1).
Genome position (GRCh38, 1-based): chr16:68,822,071, A>G. VCF-style: chr16-68822071-A-G. GRCh37 (hg19) VCF-style: chr16-68855974-A-G.
Other names: c.1599A>G, p.Ile533Met (NM_001317184.2); c.234A>G, p.Ile78Met (NM_001317185.2); c.-184A>G (NM_001317186.2); short protein forms I594M, I533M, I78M.
Identifiers: ClinVar variation 5033997 (VCV005033997.1).

ClinVar aggregate classification (germline): Uncertain significance (1 of 4 stars; one submission).

Conditions:
Hereditary cancer-predisposing syndrome. Also called: Neoplastic Syndromes, Hereditary; Tumor predisposition; Hereditary neoplastic syndrome; Hereditary Cancer Syndrome. Identifiers: Orphanet 140162, MedGen C0027672, MeSH D009386, MONDO:0015356.

Submission:

Ambry Genetics
Classification: Uncertain significance for Hereditary cancer-predisposing syndrome. Last evaluated: 2026-07-07. Review status: criteria provided, single submitter. Criteria: Ambry Variant Classification Scheme 2023. Collection method: clinical testing. Allele origin: germline.
Comment: The p.I594M variant (also known as c.1782A>G), located in coding exon 12 of the CDH1 gene, results from an A to G substitution at nucleotide position 1782. The isoleucine at codon 594 is replaced by methionine, an amino acid with highly similar properties. This amino acid position is conserved. In addition, this alteration is predicted to be tolerated by in silico analysis. Based on the available evidence, the clinical significance of this variant remains unclear.